The following is an entry in ClinVar:

NM_182961.4(SYNE1):c.3484G>A (p.Glu1162Lys)

Gene: SYNE1 (spectrin repeat containing nuclear envelope protein 1; minus strand). Cytogenetic location: 6q25.2.
Variant type: single nucleotide variant.
Coding change: c.3484G>A on transcript NM_182961.4 (MANE Select); coding-DNA position 3484, G replaced by A.
Protein change: p.Glu1162Lys; replaces glutamic acid 1162 with lysine.
Molecular consequence: missense variant.
Genome position (GRCh38, 1-based): chr6:152,449,553, C>T on the plus strand (G>A on the coding strand, the complement: SYNE1 is on the minus strand). VCF-style: chr6-152449553-C-T. GRCh37 (hg19) VCF-style: chr6-152770688-C-T.
Other names: c.3505G>A, p.Glu1169Lys (NM_033071.5); short protein forms E1162K, E1169K.
Identifiers: ClinVar variation 3372837 (VCV003372837.1).
Genomic context (GRCh38, chr6:152,449,553, plus strand): 5'-TGAGAAATTTTCCTCTAGCAAATAATGACCCTGAACTTACTTCAACGGCACGTTTAACCT[C>T]TCCGTGGTTGGCAGTATCGATGGCCTCACCCTTGATCCCCTTTAATTGTGTCTCATTTGT-3'
Protein context (NP_892006.3, residues 1152-1172): GEAIDTANHG[Glu1162Lys]VKRAVEEIRN

ClinVar aggregate classification (germline): Uncertain significance (1 of 4 stars; one submission).

gnomAD v4.1: 1 of 1,614,104 alleles (0.000062%); no homozygotes.

Submission:

GeneDx
Classification: Uncertain significance. Last evaluated: 2024-04-24. Review status: criteria provided, single submitter. Criteria: GeneDx Variant Classification Process June 2021. Collection method: clinical testing. Allele origin: germline. Affected: yes.
Comment: Not observed at significant frequency in large population cohorts (gnomAD); In silico analysis indicates that this missense variant does not alter protein structure/function; Has not been previously published as pathogenic or benign to our knowledge